The following is an entry in ClinVar:

ClinVar aggregate classification (germline): Uncertain significance (1 of 4 stars; one submission).

Conditions:
PCNT-related disorder. Also called: PCNT-related condition.

gnomAD v4.1: 5 of 1,612,016 alleles (0.00031%); highest among the groups gnomAD compares: African/African-American, 0.0067%; no homozygotes.

Submission:

PreventionGenetics, part of Exact Sciences
Classification: Uncertain significance for PCNT-related condition. Last evaluated: 2025-08-05. Review status: criteria provided, single submitter. Criteria: ACMG Guidelines, 2015. Collection method: clinical testing. Allele origin: germline.
Comment: The PCNT c.3960C>G variant is predicted to result in the amino acid substitution p.Ser1320Arg. To our knowledge, this variant has not been reported in the literature. This variant is reported in 0.0062% of alleles in individuals of African descent in gnomAD. At this time, the clinical significance of this variant is uncertain due to the absence of conclusive functional and genetic evidence.

NM_006031.6(PCNT):c.3960C>G (p.Ser1320Arg)

Gene: PCNT (pericentrin; plus strand). Cytogenetic location: 21q22.3.
Variant type: single nucleotide variant.
Coding change: c.3960C>G on transcript NM_006031.6 (MANE Select); coding-DNA position 3960, C replaced by G.
Protein change: p.Ser1320Arg; replaces serine 1320 with arginine.
Molecular consequence: missense variant.
Genome position (GRCh38, 1-based): chr21:46,390,789, C>G. VCF-style: chr21-46390789-C-G. GRCh37 (hg19) VCF-style: chr21-47810704-C-G.
Other names: c.3606C>G, p.Ser1202Arg (NM_001315529.2); short protein forms S1202R, S1320R.
Identifiers: ClinVar variation 4977525 (VCV004977525.1).